The following is an entry in ClinVar:

ClinVar aggregate classification (germline): Uncertain significance (1 of 4 stars; one submission).

Allele frequency attached by ClinVar (database versions not stated): gnomAD 0.00001; gnomAD exomes 0.00002; TOPMed 0.00002; ExAC 0.00003; ESP Exome Variant Server 0.00008.
gnomAD v4.1: 25 of 1,613,938 alleles (0.0015%); highest among the groups gnomAD compares: Non-Finnish European, 0.002%; no homozygotes.

Submission:

Labcorp Genetics (formerly Invitae), Labcorp
Classification: Uncertain significance. Last evaluated: 2022-06-11. Review status: criteria provided, single submitter. Criteria: Invitae Variant Classification Sherloc (09022015). Collection method: clinical testing. Allele origin: germline.
Comment: This sequence change replaces threonine, which is neutral and polar, with isoleucine, which is neutral and non-polar, at codon 138 of the RDH11 protein (p.Thr138Ile). This variant is present in population databases (rs370918702, gnomAD 0.004%). This variant has not been reported in the literature in individuals affected with RDH11-related conditions. Algorithms developed to predict the effect of missense changes on protein structure and function (SIFT, PolyPhen-2, Align-GVGD) all suggest that this variant is likely to be disruptive. In summary, the available evidence is currently insufficient to determine the role of this variant in disease. Therefore, it has been classified as a Variant of Uncertain Significance.

NM_016026.4(RDH11):c.413C>T (p.Thr138Ile)

Genes: GPHN (gephyrin; plus strand), RDH11 (retinol dehydrogenase 11; minus strand). Cytogenetic location: 14q24.1.
Variant type: single nucleotide variant.
Coding change: c.413C>T on transcript NM_016026.4 (MANE Select); coding-DNA position 413, C replaced by T.
Protein change: p.Thr138Ile; replaces threonine 138 with isoleucine.
Molecular consequence: missense variant.
Genome position (GRCh38, 1-based): chr14:67,691,181, G>A on the plus strand (C>T on the coding strand, the complement: RDH11 is on the minus strand). VCF-style: chr14-67691181-G-A. GRCh37 (hg19) VCF-style: chr14-68157898-G-A.
Other names: c.413C>T, p.Thr138Ile (NM_001252650.2); short protein forms T138I.
Identifiers: ClinVar variation 1919223 (VCV001919223.2), dbSNP rs370918702, ClinGen allele CA7238400.